The following is an entry in ClinVar:

NM_022051.3(EGLN1):c.1237G>A (p.Glu413Lys)

Gene: EGLN1 (egl-9 family hypoxia inducible factor 1; minus strand). Cytogenetic location: 1q42.2.
Variant type: single nucleotide variant.
Coding change: c.1237G>A on transcript NM_022051.3 (MANE Select); coding-DNA position 1237, G replaced by A.
Protein change: p.Glu413Lys; replaces glutamic acid 413 with lysine.
Molecular consequence: missense variant. On other transcripts: 3 prime UTR variant (2).
Genome position (GRCh38, 1-based): chr1:231,366,455, C>T on the plus strand (G>A on the coding strand, the complement: EGLN1 is on the minus strand). VCF-style: chr1-231366455-C-T. GRCh37 (hg19) VCF-style: chr1-231502201-C-T.
Other names: c.*17G>A (NM_001377260.1); c.*62G>A (NM_001377261.1); short protein forms E413K.
Identifiers: ClinVar variation 1757206 (VCV001757206.2), dbSNP rs2527215651, ClinGen allele CA345238459.

ClinVar aggregate classification (germline): Uncertain significance (1 of 4 stars; one submission).

Submission:

Ambry Genetics
Classification: Uncertain significance. Last evaluated: 2022-07-17. Review status: criteria provided, single submitter. Criteria: Ambry Variant Classification Scheme 2023. Collection method: clinical testing. Allele origin: germline.
Comment: The p.E413K variant (also known as c.1237G>A), located in coding exon 5 of the EGLN1 gene, results from a G to A substitution at nucleotide position 1237. The glutamic acid at codon 413 is replaced by lysine, an amino acid with similar properties. This amino acid position is conserved. In addition, the in silico prediction for this alteration is inconclusive. Since supporting evidence is limited at this time, the clinical significance of this alteration remains unclear.